The following is an entry in ClinVar:

NM_004415.4(DSP):c.2298-1G>C

Gene: DSP (desmoplakin; plus strand). Cytogenetic location: 6p24.3.
Variant type: single nucleotide variant.
Coding change: c.2298-1G>C on transcript NM_004415.4 (MANE Select); the canonical splice acceptor site of the intron before coding-DNA position 2298, G replaced by C.
Molecular consequence: splice acceptor variant.
Genome position (GRCh38, 1-based): chr6:7,574,656, G>C. VCF-style: chr6-7574656-G-C. GRCh37 (hg19) VCF-style: chr6-7574889-G-C.
Other names: c.2298-1G>C (NM_001319034.2, NM_001008844.3, NM_004415.3).
Identifiers: ClinVar variation 953556 (VCV000953556.9), dbSNP rs1417627909, ClinGen allele CA362681015.

ClinVar aggregate classification (germline): Likely pathogenic. Review status: criteria provided, multiple submitters, no conflicts (2 of 4 stars). 2 submissions from 2 submitters: Likely pathogenic (2). Last evaluated 2024-01-26.

Conditions:
DSP-related disorder. Also called: DSP-related disorders; DSP-related condition.
Arrhythmogenic right ventricular dysplasia 8 (ARVD8). Also called: ARRHYTHMOGENIC RIGHT VENTRICULAR DYSPLASIA, FAMILIAL, 8; ARRHYTHMOGENIC RIGHT VENTRICULAR CARDIOMYOPATHY 8; Arrhythmogenic Right Ventricular Dysplasia/Cardiomyopathy 8. Identifiers: MedGen C1843896, MONDO:0011831, OMIM 607450.
Arrhythmogenic cardiomyopathy with wooly hair and keratoderma. Also called: Carvajal syndrome; PALMOPLANTAR KERATODERMA WITH LEFT VENTRICULAR CARDIOMYOPATHY AND WOOLLY HAIR; Arrhythmogenic cardiomyopathy with woolly hair and keratoderma; Dilated cardiomyopathy with woolly hair and keratoderma. Identifiers: Orphanet 65282, MedGen C1854063, MONDO:0011581, OMIM 605676.

Submissions (2):

Rady Children's Institute for Genomic Medicine, Rady Children's Hospital San Diego
Classification: Likely pathogenic for DSP-Related Disorders. Last evaluated: 2024-01-26. Review status: criteria provided, single submitter. Criteria: ACMG Guidelines, 2015. Collection method: clinical testing. Allele origin: germline. Affected: yes.
Comment: This variant affects the canonical splice acceptor site of intron 16 and is therefore predicted to interfere with splicing and result in loss of normal protein function through either protein truncation or nonsense-mediated mRNA decay. The DSP gene is constrained against loss-of-function variation (pLI = 1), and loss-of-function variants have been reported in individuals with disease (PMID: 30382575, 33684294, 23137101, 34343150). This variant has not been previously reported or functionally characterized in the literature to our knowledge. The c.2298-1G>C variant is absent from the gnomAD v4 population database and thus is presumed to be rare. Based on the available evidence, c.2298-1G>C is classified as Likely Pathogenic.

Labcorp Genetics (formerly Invitae), Labcorp
Classification: Likely pathogenic for Arrhythmogenic cardiomyopathy with wooly hair and keratoderma; Arrhythmogenic right ventricular dysplasia 8. Last evaluated: 2019-07-22. Review status: criteria provided, single submitter. Criteria: Invitae Variant Classification Sherloc (09022015). Collection method: clinical testing. Allele origin: germline.
Comment: In summary, the currently available evidence indicates that the variant is pathogenic, but additional data are needed to prove that conclusively. Therefore, this variant has been classified as Likely Pathogenic. Donor and acceptor splice site variants typically lead to a loss of protein function (PMID: 16199547), and loss-of-function variants in DSP are known to be pathogenic (PMID: 20716751, 24503780, 25227139). Algorithms developed to predict the effect of sequence changes on RNA splicing suggest that this variant may disrupt the consensus splice site, but this prediction has not been confirmed by published transcriptional studies. This variant has not been reported in the literature in individuals with DSP-related conditions. This variant is not present in population databases (ExAC no frequency). This sequence change affects an acceptor splice site in intron 16 of the DSP gene. It is expected to disrupt RNA splicing and likely results in an absent or disrupted protein product.

Literature cited by the submitters: PubMed 16199547 (cited by Labcorp Genetics (formerly Invitae), Labcorp); PubMed 20716751 (cited by Labcorp Genetics (formerly Invitae), Labcorp); PubMed 24503780 (cited by Labcorp Genetics (formerly Invitae), Labcorp); PubMed 25227139 (cited by Labcorp Genetics (formerly Invitae), Labcorp).